The following is an entry in ClinVar:

NM_020922.5(WNK3):c.710C>T (p.Thr237Met)

Gene: WNK3 (WNK lysine deficient protein kinase 3; minus strand). Cytogenetic location: Xp11.22.
Variant type: single nucleotide variant.
Coding change: c.710C>T on transcript NM_020922.5 (MANE Select); coding-DNA position 710, C replaced by T.
Protein change: p.Thr237Met; replaces threonine 237 with methionine.
Molecular consequence: missense variant.
Genome position (GRCh38, 1-based): chrX:54,311,119, G>A on the plus strand (C>T on the coding strand, the complement: WNK3 is on the minus strand). VCF-style: chrX-54311119-G-A. GRCh37 (hg19) VCF-style: chrX-54337552-G-A.
Other names: c.710C>T, p.Thr237Met (NM_001002838.4, NM_001395166.1); short protein forms T237M.
Identifiers: ClinVar variation 4526362 (VCV004526362.1), dbSNP rs782411346.

ClinVar aggregate classification (germline): Uncertain significance (1 of 4 stars; one submission).

gnomAD v4.1: 14 of 1,142,538 alleles (0.0012%); highest among the groups gnomAD compares: South Asian, 0.0041%; no homozygotes.

Submission:

Centre of Medical Genetics, University Hospital Muenster
Classification: Uncertain significance. Last evaluated: 2025-08-29. Review status: criteria provided, single submitter. Criteria: ACMG Guidelines, 2015. Collection method: clinical testing. Allele origin: unknown. Affected: yes. Observed: 1 variant allele.
Comment: ACMG categories: PM1,PM2_sup,PP3_mod